The following is an entry in ClinVar:

ClinVar aggregate classification (germline): Likely pathogenic. Review status: criteria provided, single submitter (1 of 4 stars). 2 submissions from 1 submitter: Likely pathogenic (1). 1 of the submissions does not count toward it. Last evaluated 2024-03-17.

Conditions:
Severe combined immunodeficiency due to DCLRE1C deficiency (RS-SCID). Also called: SCID, AUTOSOMAL RECESSIVE, T CELL-NEGATIVE, B CELL-NEGATIVE, NK CELL-POSITIVE, WITH SENSITIVITY TO IONIZING RADIATION. Identifiers: Orphanet 275, MedGen C1865371, MONDO:0011225, OMIM 602450.

Submissions (2):

Genomic Medicine Center of Excellence, King Faisal Specialist Hospital and Research Centre
Classification: Likely pathogenic for Severe combined immunodeficiency due to DCLRE1C deficiency. Last evaluated: 2024-03-17. Review status: criteria provided, single submitter. Criteria: ACMG Guidelines, 2015. Collection method: research. Allele origin: germline.

Genomic Medicine Center of Excellence, King Faisal Specialist Hospital and Research Centre
Classification: Likely pathogenic. Review status: flagged submission. Criteria: ACMG Guidelines, 2015. Collection method: research. Allele origin: germline. Affected: yes. Not counted in ClinVar's aggregate classification.
ClinVar note: Reason: This record appears to be redundant with a more recent record from the same submitter.
ClinVar note: Notes: SCV000221371 appears to be redundant with SCV004804914.

NM_001033855.3(DCLRE1C):c.403G>A (p.Gly135Arg)

Gene: DCLRE1C (DNA cross-link repair 1C; minus strand). Cytogenetic location: 10p13.
Variant type: single nucleotide variant.
Coding change: c.403G>A on transcript NM_001033855.3 (MANE Select); coding-DNA position 403, G replaced by A.
Protein change: p.Gly135Arg; replaces glycine 135 with arginine.
Molecular consequence: missense variant. On other transcripts: non-coding transcript variant (4).
Genome position (GRCh38, 1-based): chr10:14,935,524, C>T on the plus strand (G>A on the coding strand, the complement: DCLRE1C is on the minus strand). VCF-style: chr10-14935524-C-T. GRCh37 (hg19) VCF-style: chr10-14977523-C-T.
Other names: c.43G>A, p.Gly15Arg (NM_001033857.3, NM_001033858.3, NM_001289077.2 and 2 more transcripts); c.58G>A, p.Gly20Arg (NM_001289076.2, NM_001289078.2, NM_001350966.2 and 1 more transcripts); c.403G>A, p.Gly135Arg (NM_001350965.2); short protein forms G135R, G15R, G20R.
Identifiers: ClinVar variation 191000 (VCV000191000.3), dbSNP rs786205456, ClinGen allele CA235787.